The following is an entry in ClinVar:

NM_001718.6(BMP6):c.1180G>A (p.Val394Met)

Gene: BMP6 (bone morphogenetic protein 6; plus strand). Cytogenetic location: 6p24.3.
Variant type: single nucleotide variant.
Coding change: c.1180G>A on transcript NM_001718.6 (MANE Select); coding-DNA position 1180, G replaced by A.
Protein change: p.Val394Met; replaces valine 394 with methionine.
Molecular consequence: missense variant.
Genome position (GRCh38, 1-based): chr6:7,862,474, G>A. VCF-style: chr6-7862474-G-A. GRCh37 (hg19) VCF-style: chr6-7862707-G-A.
Other names: short protein forms V394M.
Identifiers: ClinVar variation 3352424 (VCV003352424.1).
Genomic context (GRCh38, chr6:7,862,474, plus strand): 5'-AGGTCAGCCTCCAGCCGGCGCCGACAACAGAGTCGTAATCGCTCTACCCAGTCCCAGGAC[G>A]TGGCGCGGGTCTCCAGTGCTTCAGGTGGGTTTGTGGGGAGCCTGTGTTTCCAGAAAGCCT-3'
Protein context (NP_001709.1, residues 384-404): SRNRSTQSQD[Val394Met]ARVSSASDYN

ClinVar aggregate classification (germline): Likely benign (0 of 4 stars; one submission).

Conditions:
BMP6-related disorder. Also called: BMP6-related condition.

gnomAD v4.1: 1,082 of 1,614,126 alleles (0.067%); highest among the groups gnomAD compares: Non-Finnish European, 0.085%; 1 homozygote.

Submission:

PreventionGenetics, part of Exact Sciences
Classification: Likely benign for BMP6-related condition. Last evaluated: 2024-08-12. Review status: no assertion criteria provided. Collection method: clinical testing. Allele origin: germline.
Comment: This variant is classified as likely benign based on ACMG/AMP sequence variant interpretation guidelines (Richards et al. 2015 PMID: 25741868, with internal and published modifications).